The following is an entry in ClinVar:

NM_014956.5(CEP164):c.2629C>T (p.Arg877Trp)

Gene: CEP164 (centrosomal protein 164; plus strand). Cytogenetic location: 11q23.3.
Variant type: single nucleotide variant.
Coding change: c.2629C>T on transcript NM_014956.5 (MANE Select); coding-DNA position 2629, C replaced by T.
Protein change: p.Arg877Trp; replaces arginine 877 with tryptophan.
Molecular consequence: missense variant.
Genome position (GRCh38, 1-based): chr11:117,394,362, C>T. VCF-style: chr11-117394362-C-T. GRCh37 (hg19) VCF-style: chr11-117265078-C-T.
Other names: c.2638C>T, p.Arg880Trp (NM_001271933.2); short protein forms R880W, R877W.
Identifiers: ClinVar variation 944143 (VCV000944143.9), dbSNP rs986338516, ClinGen allele CA229359939.
Genomic context (GRCh38, chr11:117,394,362, plus strand): 5'-AGAAGGGGCTGCCGCAGCTTCCCACCGGTGGGCCCACCCTCCTTGCAGGAGAGGAAGCAG[C>T]GGGCTGAGCTTCTGGGGCACCTGACCGGAGAGCTGGAGCGCCTGCAGAGGGCCCATGAAC-3'
Protein context (NP_055771.4, residues 867-887): EQYEAEERKQ[Arg877Trp]AELLGHLTGE

ClinVar aggregate classification (germline): Uncertain significance. Review status: criteria provided, multiple submitters, no conflicts (2 of 4 stars). 2 submissions from 2 submitters: Uncertain significance (2). Last evaluated 2024-01-15.

Conditions:
Nephronophthisis 15 (NPHP15). Identifiers: Orphanet 3156, MedGen C3541853, MONDO:0013917, OMIM 614845.

Allele frequency attached by ClinVar (database versions not stated): TOPMed below 0.00001; gnomAD 0.00001; gnomAD exomes 0.00001.
gnomAD v4.1: 23 of 1,601,070 alleles (0.0014%); highest among the groups gnomAD compares: East Asian, 0.0067%; no homozygotes.

Submissions (2):

Labcorp Genetics (formerly Invitae), Labcorp
Classification: Uncertain significance for Nephronophthisis 15. Last evaluated: 2024-01-15. Review status: criteria provided, single submitter. Criteria: Invitae Variant Classification Sherloc (09022015). Collection method: clinical testing. Allele origin: germline.
Comment: This sequence change replaces arginine, which is basic and polar, with tryptophan, which is neutral and slightly polar, at codon 877 of the CEP164 protein (p.Arg877Trp). The frequency data for this variant in the population databases is considered unreliable, as metrics indicate poor data quality at this position in the gnomAD database. This variant has not been reported in the literature in individuals affected with CEP164-related conditions. ClinVar contains an entry for this variant (Variation ID: 944143). Advanced modeling of protein sequence and biophysical properties (such as structural, functional, and spatial information, amino acid conservation, physicochemical variation, residue mobility, and thermodynamic stability) has been performed at Invitae for this missense variant, however the output from this modeling did not meet the statistical confidence thresholds required to predict the impact of this variant on CEP164 protein function. In summary, the available evidence is currently insufficient to determine the role of this variant in disease. Therefore, it has been classified as a Variant of Uncertain Significance.

Fulgent Genetics
Classification: Uncertain significance for Nephronophthisis 15. Last evaluated: 2022-02-04. Review status: criteria provided, single submitter. Criteria: ACMG Guidelines, 2015. Collection method: clinical testing. Allele origin: unknown.